The following is an entry in ClinVar:

ClinVar aggregate classification (germline): Likely benign. Review status: criteria provided, multiple submitters, no conflicts (2 of 4 stars). 3 submissions from 3 submitters: Likely benign (3). Last evaluated 2026-09-01.

Conditions:
SETD2-related disorder.
Luscan-Lumish syndrome. Identifiers: Orphanet 597738, MedGen C4085873, MONDO:0014791, OMIM 616831.

Allele frequency attached by ClinVar (database versions not stated): ExAC below 0.00001; TOPMed 0.00002.
gnomAD v4.1: 46 of 1,551,756 alleles (0.003%); highest among the groups gnomAD compares: Admixed American, 0.084%; 1 homozygote.

Submissions (3):

CeGaT Center for Human Genetics Tuebingen
Classification: Likely benign. Last evaluated: 2026-09-01. Review status: criteria provided, single submitter. Criteria: CeGaT Center For Human Genetics Tuebingen Variant Classification Criteria Version 2. Collection method: clinical testing. Allele origin: germline. Affected: yes. Observed: 2 variant alleles.
Comment: SETD2: BP4, BP7

PreventionGenetics, part of Exact Sciences
Classification: Likely benign for SETD2-related condition. Last evaluated: 2025-10-24. Review status: criteria provided, single submitter. Criteria: ACMG Guidelines, 2015. Collection method: clinical testing. Allele origin: germline.
Comment: This variant is classified as likely benign based on ACMG/AMP sequence variant interpretation guidelines (Richards et al. 2015 PMID: 25741868, with internal and published modifications).

Labcorp Genetics (formerly Invitae), Labcorp
Classification: Likely benign for Luscan-Lumish syndrome. Last evaluated: 2025-07-07. Review status: criteria provided, single submitter. Criteria: Invitae Variant Classification Sherloc (09022015). Collection method: clinical testing. Allele origin: germline.

NM_014159.7(SETD2):c.1344G>A (p.Arg448=)

Gene: SETD2 (SET domain containing 2, histone lysine methyltransferase; minus strand). Cytogenetic location: 3p21.31.
Variant type: single nucleotide variant.
Coding change: c.1344G>A on transcript NM_014159.7 (MANE Select); coding-DNA position 1344, G replaced by A.
Protein change: p.Arg448=; no amino-acid change (arginine 448 retained).
Molecular consequence: synonymous variant. On other transcripts: non-coding transcript variant (1).
Genome position (GRCh38, 1-based): chr3:47,123,292, C>T on the plus strand (G>A on the coding strand, the complement: SETD2 is on the minus strand). VCF-style: chr3-47123292-C-T. GRCh37 (hg19) VCF-style: chr3-47164782-C-T.
Other names: c.1212G>A, p.Arg404= (NM_001349370.3).
Identifiers: ClinVar variation 707116 (VCV000707116.12), dbSNP rs775613201, ClinGen allele CA2363696.
Genomic context (GRCh38, chr3:47,123,292, plus strand): 5'-TGTCTTCTTATACTCTTCTTCTGAGTCAGAACTCTCTCGTGCTCTGTTATCTGTGTATGG[C>T]CGAGAATAGCGCGTCCTCTCTCGATAAGGGGAGCTCCTATGGTAGCGACGATCAGAGTCA-3'
Protein context (NP_054878.5, residues 438-458): SPYRERTRYS[Arg448=]PYTDNRARES